The following is an entry in ClinVar:

NM_014319.5(LEMD3):c.1448T>A (p.Leu483Ter)

Gene: LEMD3 (LEM domain containing 3; plus strand). Cytogenetic location: 12q14.3.
Variant type: single nucleotide variant.
Coding change: c.1448T>A on transcript NM_014319.5 (MANE Select); coding-DNA position 1448, T replaced by A.
Protein change: p.Leu483Ter; replaces leucine 483 with a stop codon.
Molecular consequence: nonsense.
Genome position (GRCh38, 1-based): chr12:65,171,044, T>A. VCF-style: chr12-65171044-T-A. GRCh37 (hg19) VCF-style: chr12-65564824-T-A.
Other names: c.1448T>A, p.Leu483Ter (NM_001167614.2); short protein forms L483*.
Identifiers: ClinVar variation 2828218 (VCV002828218.3), dbSNP rs1868532995, ClinGen allele CA385676504.

ClinVar aggregate classification (germline): Pathogenic (1 of 4 stars; one submission).

Submission:

Labcorp Genetics (formerly Invitae), Labcorp
Classification: Pathogenic. Last evaluated: 2025-09-25. Review status: criteria provided, single submitter. Criteria: Invitae Variant Classification Sherloc (09022015). Collection method: clinical testing. Allele origin: germline.
Comment: This sequence change creates a premature translational stop signal (p.Leu483*) in the LEMD3 gene. It is expected to result in an absent or disrupted protein product. Loss-of-function variants in LEMD3 are known to be pathogenic (PMID: 15489854, 19438932). This variant is not present in population databases (gnomAD no frequency). This variant has not been reported in the literature in individuals affected with LEMD3-related conditions. ClinVar contains an entry for this variant (Variation ID: 2828218). For these reasons, this variant has been classified as Pathogenic.

Literature cited by the submitters: PubMed 15489854; PubMed 19438932.